The following is an entry in ClinVar:

NM_015215.4(CAMTA1):c.4401T>C (p.Ser1467=)

Gene: CAMTA1 (calmodulin binding transcription activator 1; plus strand). Cytogenetic location: 1p36.23.
Variant type: single nucleotide variant.
Coding change: c.4401T>C on transcript NM_015215.4 (MANE Select); coding-DNA position 4401, T replaced by C.
Protein change: p.Ser1467=; no amino-acid change (serine 1467 retained).
Molecular consequence: synonymous variant.
Genome position (GRCh38, 1-based): chr1:7,745,875, T>C. VCF-style: chr1-7745875-T-C. GRCh37 (hg19) VCF-style: chr1-7805935-T-C.
Other names: c.4311T>C, p.Ser1437= (NM_001349608.2); c.4062T>C, p.Ser1354= (NM_001349609.2, NM_001349610.2, NM_001410737.1); c.3972T>C, p.Ser1324= (NM_001349612.2); c.4401T>C (NM_015215.3); c.1530T>C, p.Ser510= (NM_001349613.1); c.1473T>C, p.Ser491= (NM_001349614.1, NM_001349615.2, NM_001349616.2 and 2 more transcripts); c.1134T>C, p.Ser378= (NM_001349619.2, NM_001349620.1, NM_001349621.1 and 5 more transcripts); c.3990T>C, p.Ser1330= (NM_001410738.1).
Identifiers: ClinVar variation 2965194 (VCV002965194.5), dbSNP rs1347998830, ClinGen allele CA415823329.

ClinVar aggregate classification (germline): Likely benign. Review status: criteria provided, single submitter (1 of 4 stars). 2 submissions from 2 submitters: Likely benign (1). 1 of the submissions does not count toward it. Last evaluated 2024-11-27.

Conditions:
CAMTA1-related disorder. Also called: CAMTA1-related condition.

Allele frequency attached by ClinVar (database versions not stated): TOPMed 0.00001.
gnomAD v4.1: 1 of 1,614,242 alleles (0.000062%); no homozygotes.

Submissions (2):

Labcorp Genetics (formerly Invitae), Labcorp
Classification: Likely benign. Last evaluated: 2024-11-27. Review status: criteria provided, single submitter. Criteria: Invitae Variant Classification Sherloc (09022015). Collection method: clinical testing. Allele origin: germline.

PreventionGenetics, part of Exact Sciences
Classification: Likely benign for CAMTA1-related condition. Last evaluated: 2019-07-15. Review status: no assertion criteria provided. Collection method: clinical testing. Allele origin: germline. Not counted in ClinVar's aggregate classification.
Comment: This variant is classified as likely benign based on ACMG/AMP sequence variant interpretation guidelines (Richards et al. 2015 PMID: 25741868, with internal and published modifications).